The following is an entry in ClinVar:

NM_001254.4(CDC6):c.661-5T>C

Gene: CDC6 (cell division cycle 6; plus strand). Cytogenetic location: 17q21.2.
Variant type: single nucleotide variant.
Coding change: c.661-5T>C on transcript NM_001254.4 (MANE Select); 5 bases into the intron before coding-DNA position 661, T replaced by C.
Molecular consequence: intron variant.
Genome position (GRCh38, 1-based): chr17:40,293,451, T>C. VCF-style: chr17-40293451-T-C. GRCh37 (hg19) VCF-style: chr17-38449703-T-C.
Identifiers: ClinVar variation 3625283 (VCV003625283.2).
Genomic context (GRCh38, chr17:40,293,451, plus strand): 5'-AGGCTCTATCAGATCTTTATTTTCTGAGGCCAAAATAACTCCCATATTTGCATTTTTTTT[T>C]CCAGAAGGAACTGAAAGGCTTTAAAACTATCATGCTGAATTGCATGTCCTTGAGGACTGC-3'

ClinVar aggregate classification (germline): Uncertain significance (1 of 4 stars; one submission).

gnomAD v4.1: 46 of 1,613,296 alleles (0.0029%); highest among the groups gnomAD compares: Middle Eastern, 0.033%; no homozygotes.

Submission:

Labcorp Genetics (formerly Invitae), Labcorp
Classification: Uncertain significance. Last evaluated: 2024-03-28. Review status: criteria provided, single submitter. Criteria: Invitae Variant Classification Sherloc (09022015). Collection method: clinical testing. Allele origin: germline.
Comment: This sequence change falls in intron 4 of the CDC6 gene. It does not directly change the encoded amino acid sequence of the CDC6 protein. This variant is present in population databases (rs766351438, gnomAD 0.004%). This variant has not been reported in the literature in individuals affected with CDC6-related conditions. Algorithms developed to predict the effect of sequence changes on RNA splicing suggest that this variant may create or strengthen a splice site. In summary, the available evidence is currently insufficient to determine the role of this variant in disease. Therefore, it has been classified as a Variant of Uncertain Significance.